The following is an entry in ClinVar:

NM_000051.4(ATM):c.537A>G (p.Ser179=)

Gene: ATM (ATM serine/threonine kinase; plus strand). Cytogenetic location: 11q22.3.
Variant type: single nucleotide variant.
Coding change: c.537A>G on transcript NM_000051.4 (MANE Select); coding-DNA position 537, A replaced by G.
Protein change: p.Ser179=; no amino-acid change (serine 179 retained).
Molecular consequence: synonymous variant.
Genome position (GRCh38, 1-based): chr11:108,243,993, A>G. VCF-style: chr11-108243993-A-G. GRCh37 (hg19) VCF-style: chr11-108114720-A-G.
Other names: c.537A>G, p.Ser179= (NM_001351834.2).
Identifiers: ClinVar variation 3253934 (VCV003253934.1), dbSNP rs1555066338.

ClinVar aggregate classification (germline): Benign (1 of 4 stars; one submission).

Conditions:
Familial cancer of breast. Also called: BREAST CANCER, FAMILIAL; Hereditary breast cancer; hereditary breast carcinoma. Identifiers: Orphanet 227535, MedGen C0346153, MONDO:0016419, OMIM 114480. Disease mechanism: loss of function.

Allele frequency attached by ClinVar (database versions not stated): gnomAD exomes below 0.00001.
gnomAD v4.1: 1 of 1,610,432 alleles (0.000062%); highest among the groups gnomAD compares: East Asian, 0.0022%; no homozygotes.

Submission:

Myriad Genetics, Inc.
Classification: Benign for Familial cancer of breast. Last evaluated: 2024-04-19. Review status: criteria provided, single submitter. Criteria: Myriad Autosomal Dominant, Autosomal Recessive and X-Linked Classification Criteria (2023). Collection method: clinical testing. Allele origin: unknown.
Comment: This variant is considered benign. This variant is a silent/synonymous amino acid change and it is not expected to impact splicing.